The following is an entry in ClinVar:

NM_000179.3(MSH6):c.2690_2691insG (p.Asn897fs)

Gene: MSH6 (mutS homolog 6; plus strand). Cytogenetic location: 2p16.3.
Variant type: Insertion.
Coding change: c.2690_2691insG on transcript NM_000179.3 (MANE Select); coding-DNA positions 2690 to 2691, G inserted.
Protein change: p.Asn897fs; shifts the reading frame from asparagine 897.
Molecular consequence: frameshift variant.
Genome position: GRCh38 VCF-style: chr2-47800673-A-AG. GRCh37 (hg19) VCF-style: chr2-48027812-A-AG.
Other names: c.2300_2301insG, p.Asn767fs (NM_001281492.2); c.1784_1785insG, p.Asn595fs (NM_001281493.2, NM_001281494.2); short protein forms N897fs, N595fs, N767fs.
Identifiers: ClinVar variation 933196 (VCV000933196.2), dbSNP rs1669498074, ClinGen allele CA1139655902.

ClinVar aggregate classification (germline): Pathogenic. Review status: criteria provided, multiple submitters, no conflicts (2 of 4 stars). 2 submissions from 2 submitters: Pathogenic (2). Last evaluated 2023-08-17.

Conditions:
Hereditary nonpolyposis colon cancer (HNPCC). Also called: Hereditary nonpolyposis colorectal cancer; Familial nonpolyposis colon cancer; Hereditary Nonpolyposis Colorectal Cancer Syndrome. Identifiers: Orphanet 443909, MedGen C1333990, MONDO:0018630. Disease mechanism: loss of function.
Lynch syndrome 5 (LYNCH5). Also called: Colorectal cancer, hereditary nonpolyposis, type 5; Hereditary non-polyposis colorectal cancer, type 5. Identifiers: Orphanet 144, MedGen C1833477, MONDO:0013710, OMIM 614350. Disease mechanism: loss of function.

Submissions (2):

Myriad Genetics, Inc.
Classification: Pathogenic for Lynch syndrome 5. Last evaluated: 2023-08-17. Review status: criteria provided, single submitter. Criteria: Myriad Autosomal Dominant, Autosomal Recessive and X-Linked Classification Criteria (2023). Collection method: clinical testing. Allele origin: unknown.
Comment: This variant is considered pathogenic. This variant creates a frameshift predicted to result in premature protein truncation.

Women's Health and Genetics/Laboratory Corporation of America, LabCorp
Classification: Pathogenic for Hereditary nonpolyposis colon cancer. Last evaluated: 2020-06-19. Review status: criteria provided, single submitter. Criteria: LabCorp Variant Classification Summary - May 2015. Collection method: clinical testing. Allele origin: germline.
Comment: Variant summary: MSH6 c.2690_2691insG (p.Asn897LysfsX3) results in a premature termination codon, predicted to cause a truncation of the encoded protein or absence of the protein due to nonsense mediated decay, which are commonly known mechanisms for disease. Truncations downstream of this position have been classified as pathogenic by our laboratory. The variant was absent in 250614 control chromosomes (gnomAD). A different variant causing the same amino acid effect (c.2690dupA, p.Asn897LysfsX3) has been reported in the literature in individuals affected with Hereditary Nonpolyposis Colorectal Cancer and with ovarian cancer (e.g. Baglietto_2010, Pal_2012). No clinical diagnostic laboratories have submitted clinical-significance assessments for the variant, c.2690_2691insG, to ClinVar after 2014. However, c.2690dupA (p.Asn897LysfsX3) has been reported via internal testing and in ClinVar by multiple submitters (n=5) (evaluation after 2014) as Pathogenic/Likely pathogenic. Based on the evidence outlined above, the variant was classified as pathogenic.

Literature cited by the submitters: PubMed 20028993 (cited by Women's Health and Genetics/Laboratory Corporation of America, LabCorp); PubMed 23047549 (cited by Women's Health and Genetics/Laboratory Corporation of America, LabCorp).